The following is an entry in ClinVar:

ClinVar aggregate classification (germline): Uncertain significance (1 of 4 stars; one submission).

Conditions:
Dyskeratosis congenita. Identifiers: Orphanet 1775, MedGen C0265965, MONDO:0015780.

Submission:

Labcorp Genetics (formerly Invitae), Labcorp
Classification: Uncertain significance for Dyskeratosis congenita. Last evaluated: 2023-05-08. Review status: criteria provided, single submitter. Criteria: Invitae Variant Classification Sherloc (09022015). Collection method: clinical testing. Allele origin: germline.
Comment: This variant is not present in population databases (gnomAD no frequency). This sequence change replaces valine, which is neutral and non-polar, with aspartic acid, which is acidic and polar, at codon 386 of the TINF2 protein (p.Val386Asp). This variant has not been reported in the literature in individuals affected with TINF2-related conditions. ClinVar contains an entry for this variant (Variation ID: 1998192). Algorithms developed to predict the effect of missense changes on protein structure and function output the following: SIFT: "Not Available"; PolyPhen-2: "Benign"; Align-GVGD: "Not Available". The aspartic acid amino acid residue is found in multiple mammalian species, which suggests that this missense change does not adversely affect protein function. In summary, the available evidence is currently insufficient to determine the role of this variant in disease. Therefore, it has been classified as a Variant of Uncertain Significance.

NM_001099274.3(TINF2):c.1157T>A (p.Val386Asp)

Gene: TINF2 (TERF1 interacting nuclear factor 2; minus strand). Cytogenetic location: 14q12.
Variant type: single nucleotide variant.
Coding change: c.1157T>A on transcript NM_001099274.3 (MANE Select); coding-DNA position 1157, T replaced by A.
Protein change: p.Val386Asp; replaces valine 386 with aspartic acid.
Molecular consequence: missense variant. On other transcripts: 3 prime UTR variant (1).
Genome position (GRCh38, 1-based): chr14:24,240,128, A>T on the plus strand (T>A on the coding strand, the complement: TINF2 is on the minus strand). VCF-style: chr14-24240128-A-T. GRCh37 (hg19) VCF-style: chr14-24709334-A-T.
Other names: c.1052T>A, p.Val351Asp (NM_001363668.2); c.*287T>A (NM_012461.3); short protein forms V351D, V386D.
Identifiers: ClinVar variation 1998192 (VCV001998192.4), dbSNP rs2502450787, ClinGen allele CA389221813.